The following is an entry in ClinVar:

NM_206538.4(EMC10):c.679-223G>A

Gene: EMC10 (ER membrane protein complex subunit 10; plus strand). Cytogenetic location: 19q13.33.
Variant type: single nucleotide variant.
Coding change: c.679-223G>A on transcript NM_206538.4 (MANE Select); 223 bases into the intron before coding-DNA position 679, G replaced by A.
Molecular consequence: intron variant. On other transcripts: synonymous variant (1).
Genome position (GRCh38, 1-based): chr19:50,481,926, G>A. VCF-style: chr19-50481926-G-A. GRCh37 (hg19) VCF-style: chr19-50985183-G-A.
Other names: c.744G>A, p.Ala248= (NM_175063.6).
Identifiers: ClinVar variation 3025305 (VCV003025305.22), dbSNP rs375521469, ClinGen allele CA9599203.

ClinVar aggregate classification (germline): Likely benign (1 of 4 stars; one submission).

Allele frequency attached by ClinVar (database versions not stated): ESP Exome Variant Server 0.00008; 1000 Genomes Project 30x 0.00016; ExAC 0.00028; gnomAD 0.00029; TOPMed 0.00030.
gnomAD v4.1: 918 of 1,605,374 alleles (0.057%); highest among the groups gnomAD compares: Non-Finnish European, 0.075%; no homozygotes.

Submission:

CeGaT Center for Human Genetics Tuebingen
Classification: Likely benign. Last evaluated: 2023-12-01. Review status: criteria provided, single submitter. Criteria: CeGaT Center For Human Genetics Tuebingen Variant Classification Criteria Version 2. Collection method: clinical testing. Allele origin: germline. Affected: yes. Observed: 1 variant allele.
Comment: EMC10: BP4, BP7